The following is an entry in ClinVar:

ClinVar aggregate classification (germline): Uncertain significance (1 of 4 stars; one submission).

Conditions:
Kleefstra syndrome 1 (KLEFS1). Identifiers: Orphanet 261494, MedGen C0795833, MONDO:0027407, OMIM 610253.

Allele frequency attached by ClinVar (database versions not stated): gnomAD exomes below 0.00001.
gnomAD v4.1: 1 of 1,614,210 alleles (0.000062%); highest among the groups gnomAD compares: Non-Finnish European, 0.000085%; no homozygotes.

Submission:

Labcorp Genetics (formerly Invitae), Labcorp
Classification: Uncertain significance for Kleefstra syndrome 1. Last evaluated: 2023-07-30. Review status: criteria provided, single submitter. Criteria: Invitae Variant Classification Sherloc (09022015). Collection method: clinical testing. Allele origin: germline.
Comment: This sequence change replaces proline, which is neutral and non-polar, with leucine, which is neutral and non-polar, at codon 1147 of the EHMT1 protein (p.Pro1147Leu). This variant is not present in population databases (gnomAD no frequency). This variant has not been reported in the literature in individuals affected with EHMT1-related conditions. Advanced modeling of protein sequence and biophysical properties (such as structural, functional, and spatial information, amino acid conservation, physicochemical variation, residue mobility, and thermodynamic stability) performed at Invitae indicates that this missense variant is not expected to disrupt EHMT1 protein function. In summary, the available evidence is currently insufficient to determine the role of this variant in disease. Therefore, it has been classified as a Variant of Uncertain Significance.

NM_024757.5(EHMT1):c.3440C>T (p.Pro1147Leu)

Gene: EHMT1 (euchromatic histone lysine methyltransferase 1; plus strand). Cytogenetic location: 9q34.3.
Variant type: single nucleotide variant.
Coding change: c.3440C>T on transcript NM_024757.5 (MANE Select); coding-DNA position 3440, C replaced by T.
Protein change: p.Pro1147Leu; replaces proline 1147 with leucine.
Molecular consequence: missense variant.
Genome position (GRCh38, 1-based): chr9:137,817,504, C>T. VCF-style: chr9-137817504-C-T. GRCh37 (hg19) VCF-style: chr9-140711956-C-T.
Other names: c.3419C>T, p.Pro1140Leu (NM_001354263.2); short protein forms P1147L, P1140L.
Identifiers: ClinVar variation 2748542 (VCV002748542.3), dbSNP rs2538749795, ClinGen allele CA375773063.